The following is an entry in ClinVar:

ClinVar aggregate classification (germline): Likely benign. Review status: criteria provided, multiple submitters, no conflicts (2 of 4 stars). 2 submissions from 2 submitters: Likely benign (2). Last evaluated 2026-02-12.

Allele frequency attached by ClinVar (database versions not stated): gnomAD exomes 0.00020; ExAC 0.00027; gnomAD 0.00074 and 0.00080; ESP Exome Variant Server 0.00077; TOPMed 0.00092; 1000 Genomes Project 30x 0.00109; 1000 Genomes Project 0.00120.
gnomAD v4.1: 202 of 1,612,824 alleles (0.013%); highest among the groups gnomAD compares: African/African-American, 0.23%; no homozygotes.

Submissions (2):

Women's Health and Genetics/Laboratory Corporation of America, LabCorp
Classification: Likely benign. Last evaluated: 2026-02-12. Review status: criteria provided, single submitter. Criteria: LabCorp Variant Classification Summary - May 2015. Collection method: clinical testing. Allele origin: germline.
Comment: Variant summary: PIK3CG c.2369G>T (p.Gly790Val) results in a non-conservative amino acid change in the encoded protein sequence. Algorithms developed to predict the effect of missense changes on protein structure and function are either unavailable or do not agree on the potential impact of this missense change. The variant allele was found at a frequency of 0.0002 in 251226 control chromosomes, predominantly at a frequency of 0.0026 within the African or African-American subpopulation in the gnomAD database. The observed variant frequency within African or African-American control individuals in the gnomAD database exceeds the estimated maximal expected allele frequency for disease-causing variants in PIK3CG. To our knowledge, no occurrence of c.2369G>T in individuals affected with PIK3CG-related conditions and no experimental evidence demonstrating its impact on protein function have been reported. ClinVar contains an entry for this variant (Variation ID: 714354). Based on the evidence outlined above, the variant was classified as likely benign.

Labcorp Genetics (formerly Invitae), Labcorp
Classification: Likely benign. Last evaluated: 2018-05-24. Review status: criteria provided, single submitter. Criteria: Invitae Variant Classification Sherloc (09022015). Collection method: clinical testing. Allele origin: germline.

NM_001282426.2(PIK3CG):c.2369G>T (p.Gly790Val)

Gene: PIK3CG (phosphatidylinositol-4,5-bisphosphate 3-kinase catalytic subunit gamma; plus strand). Cytogenetic location: 7q22.3.
Variant type: single nucleotide variant.
Coding change: c.2369G>T on transcript NM_001282426.2 (MANE Select); coding-DNA position 2369, G replaced by T.
Protein change: p.Gly790Val; replaces glycine 790 with valine.
Molecular consequence: missense variant.
Genome position (GRCh38, 1-based): chr7:106,874,781, G>T. VCF-style: chr7-106874781-G-T. GRCh37 (hg19) VCF-style: chr7-106515226-G-T.
Other names: c.2369G>T, p.Gly790Val (NM_001282427.2, NM_002649.3); short protein forms G790V.
Identifiers: ClinVar variation 714354 (VCV000714354.4), dbSNP rs139231934, ClinGen allele CA4429555.
Genomic context (GRCh38, chr7:106,874,781, plus strand): 5'-AGCTTGAAAACCTGCAGAATTCTCAACTCCCCGAAAGCTTTAGAGTTCCATATGATCCTG[G>T]ACTGAAAGCAGGAGCGCTGGCAGTAGGTATCACTTGGATGTCTCCATGTGGTCTTTATGT-3'
Protein context (NP_001269355.1, residues 780-800): PESFRVPYDP[Gly790Val]LKAGALAIEK